The following is an entry in ClinVar:

ClinVar aggregate classification (germline): Likely benign. Review status: criteria provided, multiple submitters, no conflicts (2 of 4 stars). 3 submissions from 3 submitters: Likely benign (3). Last evaluated 2025-03-17.

Conditions:
Hereditary pheochromocytoma and paraganglioma. Also called: Hereditary Paraganglioma-Pheochromocytoma Syndromes; Hereditary paragangliomas and pheochromocytomas; Hereditary pheochromocytoma-paraganglioma. Identifiers: Orphanet 29072, MedGen C4274332, MONDO:0017366.
Pheochromocytoma/paraganglioma syndrome 3. Also called: GLOMUS TUMORS, FAMILIAL, 3; Paragangliomas 3; SDHC-Related Hereditary Paraganglioma-Pheochromocytoma Syndrome (Paragangliomas 3); SDHC-Related Hereditary Paraganglioma-Pheochromocytoma Syndrome. Identifiers: Orphanet 29072, MedGen C1854336, MONDO:0011544, OMIM 605373.

Submissions (3):

Myriad Genetics, Inc.
Classification: Likely benign for Pheochromocytoma/paraganglioma syndrome 3. Last evaluated: 2025-03-17. Review status: criteria provided, single submitter. Criteria: Myriad Autosomal Dominant, Autosomal Recessive and X-Linked Classification Criteria (2023). Collection method: clinical testing. Allele origin: unknown.
Comment: This variant is considered likely benign. This variant is intronic and is not expected to impact mRNA splicing.

Center for Genomic Medicine, Rigshospitalet, Copenhagen University Hospital
Classification: Likely benign. Last evaluated: 2025-03-04. Review status: criteria provided, single submitter. Criteria: ACMG Guidelines, 2015. Collection method: clinical testing. Allele origin: germline.

All of Us Research Program, National Institutes of Health
Classification: Likely benign for Hereditary pheochromocytoma and paraganglioma. Last evaluated: 2023-11-02. Review status: criteria provided, single submitter. Criteria: ACMG Guidelines, 2015. Collection method: clinical testing. Allele origin: germline. Inheritance: Autosomal dominant inheritance. Observed: 1 variant allele, 1 heterozygote.
Comment: This study involves interpretation of variants in research participants for the purpose of population health screening. Participant phenotype was not available at the time of variant classification. Additional details can be found in publication PMID: 35346344, PMCID: PMC8962531

NM_003001.5(SDHC):c.406-13G>A

Gene: SDHC (succinate dehydrogenase complex subunit C; plus strand). Cytogenetic location: 1q23.3.
Variant type: single nucleotide variant.
Coding change: c.406-13G>A on transcript NM_003001.5 (MANE Select); 13 bases into the intron before coding-DNA position 406, G replaced by A.
Molecular consequence: intron variant.
Genome position (GRCh38, 1-based): chr1:161,362,316, G>A. VCF-style: chr1-161362316-G-A. GRCh37 (hg19) VCF-style: chr1-161332106-G-A.
Other names: c.295-13G>A (NM_001407119.1, NM_001407120.1); c.526-13G>A (NM_001407115.1); c.242-13G>A (NM_001035511.3); c.304-13G>A (NM_001035512.3); c.140-13G>A (NM_001278172.3); c.298-13G>A (NM_001407118.1); c.349-13G>A (NM_001407116.1); c.185-13G>A (NM_001407121.1); and 2 more.
Identifiers: ClinVar variation 1697864 (VCV001697864.9), dbSNP rs758615918, ClinGen allele CA2580061298.